The following is an entry in ClinVar:

ClinVar aggregate classification (germline): Uncertain significance (1 of 4 stars; one submission).

Conditions:
Long QT syndrome (LQTS). Identifiers: MedGen C0023976, MeSH D008133, MONDO:0002442. Disease mechanism: loss of function. Inheritance: Various modes of inheritance.

Submission:

Labcorp Genetics (formerly Invitae), Labcorp
Classification: Uncertain significance for Long QT syndrome. Last evaluated: 2025-11-01. Review status: criteria provided, single submitter. Criteria: Invitae Variant Classification Sherloc (09022015). Collection method: clinical testing. Allele origin: germline.
Comment: This sequence change replaces serine, which is neutral and polar, with arginine, which is basic and polar, at codon 284 of the KCNJ5 protein (p.Ser284Arg). This variant is not present in population databases (gnomAD no frequency). This variant has not been reported in the literature in individuals affected with KCNJ5-related conditions. Invitae Evidence Modeling of protein sequence and biophysical properties (such as structural, functional, and spatial information, amino acid conservation, physicochemical variation, residue mobility, and thermodynamic stability) indicates that this missense variant is expected to disrupt KCNJ5 protein function with a positive predictive value of 80%. In summary, the available evidence is currently insufficient to determine the role of this variant in disease. Therefore, it has been classified as a Variant of Uncertain Significance.

NM_000890.5(KCNJ5):c.852C>A (p.Ser284Arg)

Gene: KCNJ5 (potassium inwardly rectifying channel subfamily J member 5; plus strand). Cytogenetic location: 11q24.3.
Variant type: single nucleotide variant.
Coding change: c.852C>A on transcript NM_000890.5 (MANE Select); coding-DNA position 852, C replaced by A.
Protein change: p.Ser284Arg; replaces serine 284 with arginine.
Molecular consequence: missense variant.
Genome position (GRCh38, 1-based): chr11:128,912,125, C>A. VCF-style: chr11-128912125-C-A. GRCh37 (hg19) VCF-style: chr11-128782020-C-A.
Other names: c.852C>A, p.Ser284Arg (NM_001354169.2); short protein forms S284R.
Identifiers: ClinVar variation 4803326 (VCV004803326.1).